The following is an entry in ClinVar:

NM_005045.4(RELN):c.3005C>T (p.Thr1002Ile)

Gene: RELN (reelin; minus strand). Cytogenetic location: 7q22.1.
Variant type: single nucleotide variant.
Coding change: c.3005C>T on transcript NM_005045.4 (MANE Select); coding-DNA position 3005, C replaced by T.
Protein change: p.Thr1002Ile; replaces threonine 1002 with isoleucine.
Molecular consequence: missense variant.
Genome position (GRCh38, 1-based): chr7:103,610,698, G>A on the plus strand (C>T on the coding strand, the complement: RELN is on the minus strand). VCF-style: chr7-103610698-G-A. GRCh37 (hg19) VCF-style: chr7-103251145-G-A.
Other names: c.3005C>T, p.Thr1002Ile (NM_173054.3); short protein forms T1002I.
Identifiers: ClinVar variation 1022879 (VCV001022879.8), dbSNP rs1376812440, ClinGen allele CA368765526.

ClinVar aggregate classification (germline): Uncertain significance (1 of 4 stars; one submission).

Conditions:
Norman-Roberts syndrome (LIS2). Also called: Lissencephaly 2 (Norman-Roberts type). Identifiers: Orphanet 89844, MedGen C0796089, MONDO:0009760, OMIM 257320.
Familial temporal lobe epilepsy 7. Identifiers: Orphanet 101046, MedGen C4225327, MONDO:0014639, OMIM 616436.

Submission:

Labcorp Genetics (formerly Invitae), Labcorp
Classification: Uncertain significance for Familial temporal lobe epilepsy 7; Norman-Roberts syndrome. Last evaluated: 2025-12-22. Review status: criteria provided, single submitter. Criteria: Invitae Variant Classification Sherloc (09022015). Collection method: clinical testing. Allele origin: germline.
Comment: This sequence change replaces threonine, which is neutral and polar, with isoleucine, which is neutral and non-polar, at codon 1002 of the RELN protein (p.Thr1002Ile). This variant is not present in population databases (gnomAD no frequency). This variant has not been reported in the literature in individuals affected with RELN-related conditions. ClinVar contains an entry for this variant (Variation ID: 1022879). Invitae Evidence Modeling of protein sequence and biophysical properties (such as structural, functional, and spatial information, amino acid conservation, physicochemical variation, residue mobility, and thermodynamic stability) indicates that this missense variant is not expected to disrupt RELN protein function with a negative predictive value of 80%. In summary, the available evidence is currently insufficient to determine the role of this variant in disease. Therefore, it has been classified as a Variant of Uncertain Significance.